The following is an entry in ClinVar:

NM_020754.4(ARHGAP31):c.2216C>T (p.Pro739Leu)

Gene: ARHGAP31 (Rho GTPase activating protein 31; plus strand). Cytogenetic location: 3q13.33.
Variant type: single nucleotide variant.
Coding change: c.2216C>T on transcript NM_020754.4 (MANE Select); coding-DNA position 2216, C replaced by T.
Protein change: p.Pro739Leu; replaces proline 739 with leucine.
Molecular consequence: missense variant.
Genome position (GRCh38, 1-based): chr3:119,414,145, C>T. VCF-style: chr3-119414145-C-T. GRCh37 (hg19) VCF-style: chr3-119132992-C-T.
Other names: c.2216C>T (NM_020754.2); short protein forms P739L.
Identifiers: ClinVar variation 284531 (VCV000284531.21), dbSNP rs200598971, ClinGen allele CA2553987.

ClinVar aggregate classification (germline): Conflicting classifications of pathogenicity. Review status: criteria provided, conflicting classifications (1 of 4 stars). 6 submissions from 6 submitters: Uncertain significance (1); Likely benign (4). 1 of the submissions does not count toward it. Last evaluated 2026-01-01.

Conditions:
ARHGAP31-related disorder. Also called: ARHGAP31-related condition.
Inborn genetic diseases. Identifiers: MedGen C0950123, MeSH D030342.

Allele frequency attached by ClinVar (database versions not stated): TOPMed 0.00009; gnomAD 0.00010 and 0.00011; ExAC 0.00028.
gnomAD v4.1: 266 of 1,614,168 alleles (0.016%); highest among the groups gnomAD compares: Middle Eastern, 0.12%; no homozygotes.

Submissions (6):

CeGaT Center for Human Genetics Tuebingen
Classification: Likely benign. Last evaluated: 2026-01-01. Review status: criteria provided, single submitter. Criteria: CeGaT Center For Human Genetics Tuebingen Variant Classification Criteria Version 2. Collection method: clinical testing. Allele origin: germline. Affected: yes. Observed: 1 variant allele.
Comment: ARHGAP31: BP4

Labcorp Genetics (formerly Invitae), Labcorp
Classification: Likely benign. Last evaluated: 2025-11-13. Review status: criteria provided, single submitter. Criteria: Invitae Variant Classification Sherloc (09022015). Collection method: clinical testing. Allele origin: germline.

Blueprint Genetics
Classification: Likely benign. Last evaluated: 2024-10-11. Review status: criteria provided, single submitter. Criteria: ACMG Guidelines, 2015. Collection method: clinical testing. Allele origin: germline.

Ambry Genetics
Classification: Likely benign for Inborn genetic diseases. Last evaluated: 2021-10-21. Review status: criteria provided, single submitter. Criteria: Ambry Variant Classification Scheme 2023. Collection method: clinical testing. Allele origin: germline.

Eurofins Ntd Llc (ga)
Classification: Uncertain significance. Last evaluated: 2015-11-17. Review status: criteria provided, single submitter. Criteria: EGL Classification Definitions 2015. Collection method: clinical testing. Allele origin: germline. Observed: 1 variant allele, 1 heterozygote.

PreventionGenetics, part of Exact Sciences
Classification: Likely benign for ARHGAP31-related condition. Last evaluated: 2024-03-11. Review status: no assertion criteria provided. Collection method: clinical testing. Allele origin: germline. Not counted in ClinVar's aggregate classification.
Comment: This variant is classified as likely benign based on ACMG/AMP sequence variant interpretation guidelines (Richards et al. 2015 PMID: 25741868, with internal and published modifications).